The following is an entry in ClinVar:

ClinVar aggregate classification (germline): Conflicting classifications of pathogenicity. Review status: criteria provided, conflicting classifications (1 of 4 stars). 3 submissions from 3 submitters: Uncertain significance (2); Likely benign (1). Last evaluated 2025-09-25.

Conditions:
Inborn genetic diseases. Identifiers: MedGen C0950123, MeSH D030342.
Spastic paraplegia. Identifiers: MedGen C0037772, HP:0001258.

Allele frequency attached by ClinVar (database versions not stated): ESP Exome Variant Server 0.00023; gnomAD exomes 0.00007 and 0.00003; gnomAD 0.00001 and 0.00002; ExAC 0.00002; TOPMed 0.00003.
gnomAD v4.1: 101 of 1,613,950 alleles (0.0063%); highest among the groups gnomAD compares: Non-Finnish European, 0.0081%; no homozygotes.

Submissions (3):

Ambry Genetics
Classification: Uncertain significance for Inborn genetic diseases. Last evaluated: 2025-09-25. Review status: criteria provided, single submitter. Criteria: Ambry Variant Classification Scheme 2023. Collection method: clinical testing. Allele origin: germline.

Labcorp Genetics (formerly Invitae), Labcorp
Classification: Uncertain significance for Spastic paraplegia. Last evaluated: 2021-08-30. Review status: criteria provided, single submitter. Criteria: Invitae Variant Classification Sherloc (09022015). Collection method: clinical testing. Allele origin: germline.
Comment: This sequence change replaces glycine with arginine at codon 607 of the ZFYVE26 protein (p.Gly607Arg). The glycine residue is moderately conserved and there is a moderate physicochemical difference between glycine and arginine. This variant is present in population databases (rs142015707, ExAC 0.003%). This variant has not been reported in the literature in individuals affected with ZFYVE26-related conditions. Algorithms developed to predict the effect of missense changes on protein structure and function output the following: SIFT: "Tolerated"; PolyPhen-2: "Benign"; Align-GVGD: "Class C0". The arginine amino acid residue is found in multiple mammalian species, which suggests that this missense change does not adversely affect protein function. In summary, the available evidence is currently insufficient to determine the role of this variant in disease. Therefore, it has been classified as a Variant of Uncertain Significance.

GeneDx
Classification: Likely benign. Last evaluated: 2017-06-06. Review status: criteria provided, single submitter. Criteria: GeneDx Variant Classification (06012015). Collection method: clinical testing. Allele origin: germline. Affected: yes.
Comment: This variant is considered likely benign or benign based on one or more of the following criteria: it is a conservative change, it occurs at a poorly conserved position in the protein, it is predicted to be benign by multiple in silico algorithms, and/or has population frequency not consistent with disease.

NM_015346.4(ZFYVE26):c.1819G>A (p.Gly607Arg)

Gene: ZFYVE26 (zinc finger FYVE-type containing 26; minus strand). Cytogenetic location: 14q24.1.
Variant type: single nucleotide variant.
Coding change: c.1819G>A on transcript NM_015346.4 (MANE Select); coding-DNA position 1819, G replaced by A.
Protein change: p.Gly607Arg; replaces glycine 607 with arginine.
Molecular consequence: missense variant.
Genome position (GRCh38, 1-based): chr14:67,798,443, C>T on the plus strand (G>A on the coding strand, the complement: ZFYVE26 is on the minus strand). VCF-style: chr14-67798443-C-T. GRCh37 (hg19) VCF-style: chr14-68265160-C-T.
Other names: short protein forms G607R.
Identifiers: ClinVar variation 510000 (VCV000510000.5), dbSNP rs142015707, ClinGen allele CA7240439.